The following is an entry in ClinVar:

NM_003320.5(TUB):c.196A>G (p.Ile66Val)

Gene: TUB (TUB bipartite transcription factor; plus strand). Cytogenetic location: 11p15.4.
Variant type: single nucleotide variant.
Coding change: c.196A>G on transcript NM_003320.5; coding-DNA position 196, A replaced by G.
Protein change: p.Ile66Val; replaces isoleucine 66 with valine.
Molecular consequence: missense variant. On other transcripts: intron variant (4).
Genome position (GRCh38, 1-based): chr11:8,039,685, A>G. VCF-style: chr11-8039685-A-G. GRCh37 (hg19) VCF-style: chr11-8061232-A-G.
Other names: c.56+20327A>G (NM_001440538.1, NM_001440539.1, NM_001440540.1 and 1 more transcripts); short protein forms I66V.
Identifiers: ClinVar variation 2097596 (VCV002097596.3), dbSNP rs2495548882, ClinGen allele CA379567321.

ClinVar aggregate classification (germline): Uncertain significance. Review status: criteria provided, single submitter (1 of 4 stars). 2 submissions from 2 submitters: Uncertain significance (1). 1 of the submissions does not count toward it. Last evaluated 2022-04-10.

Conditions:
TUB-related disorder. Also called: TUB-related condition.

Submissions (2):

Labcorp Genetics (formerly Invitae), Labcorp
Classification: Uncertain significance. Last evaluated: 2022-04-10. Review status: criteria provided, single submitter. Criteria: Invitae Variant Classification Sherloc (09022015). Collection method: clinical testing. Allele origin: germline.
Comment: Algorithms developed to predict the effect of sequence changes on RNA splicing suggest that this variant may disrupt the consensus splice site. Algorithms developed to predict the effect of missense changes on protein structure and function (SIFT, PolyPhen-2, Align-GVGD) all suggest that this variant is likely to be tolerated. This variant has not been reported in the literature in individuals affected with TUB-related conditions. This variant is not present in population databases (gnomAD no frequency). This sequence change replaces isoleucine, which is neutral and non-polar, with valine, which is neutral and non-polar, at codon 66 of the TUB protein (p.Ile66Val). In summary, the available evidence is currently insufficient to determine the role of this variant in disease. Therefore, it has been classified as a Variant of Uncertain Significance.

PreventionGenetics, part of Exact Sciences
Classification: Uncertain significance for TUB-related condition. Last evaluated: 2024-05-19. Review status: no assertion criteria provided. Collection method: clinical testing. Allele origin: germline. Not counted in ClinVar's aggregate classification.
Comment: The TUB c.196A>G variant is predicted to result in the amino acid substitution p.Ile66Val. To our knowledge, this variant has not been reported in the literature or in a large population database, indicating this variant is rare. At this time, the clinical significance of this variant is uncertain due to the absence of conclusive functional and genetic evidence.